The following is an entry in ClinVar:

NM_001853.4(COL9A3):c.1627C>T (p.His543Tyr)

Gene: COL9A3 (collagen type IX alpha 3 chain; plus strand). Cytogenetic location: 20q13.33.
Variant type: single nucleotide variant.
Coding change: c.1627C>T on transcript NM_001853.4 (MANE Select); coding-DNA position 1627, C replaced by T.
Protein change: p.His543Tyr; replaces histidine 543 with tyrosine.
Molecular consequence: missense variant.
Genome position (GRCh38, 1-based): chr20:62,837,106, C>T. VCF-style: chr20-62837106-C-T. GRCh37 (hg19) VCF-style: chr20-61468458-C-T.
Other names: short protein forms H543Y.
Identifiers: ClinVar variation 2901833 (VCV002901833.3), dbSNP rs1402821452, ClinGen allele CA409599019.

ClinVar aggregate classification (germline): Uncertain significance (1 of 4 stars; one submission).

Allele frequency attached by ClinVar (database versions not stated): TOPMed 0.00001; gnomAD 0.00002.
gnomAD v4.1: 14 of 1,613,446 alleles (0.00087%); highest among the groups gnomAD compares: Non-Finnish European, 0.0012%; no homozygotes.

Submission:

Labcorp Genetics (formerly Invitae), Labcorp
Classification: Uncertain significance. Last evaluated: 2024-09-14. Review status: criteria provided, single submitter. Criteria: Invitae Variant Classification Sherloc (09022015). Collection method: clinical testing. Allele origin: germline.
Comment: This sequence change replaces histidine, which is basic and polar, with tyrosine, which is neutral and polar, at codon 543 of the COL9A3 protein (p.His543Tyr). This variant is not present in population databases (gnomAD no frequency). This variant has not been reported in the literature in individuals affected with COL9A3-related conditions. Invitae Evidence Modeling of protein sequence and biophysical properties (such as structural, functional, and spatial information, amino acid conservation, physicochemical variation, residue mobility, and thermodynamic stability) indicates that this missense variant is not expected to disrupt COL9A3 protein function with a negative predictive value of 95%. In summary, the available evidence is currently insufficient to determine the role of this variant in disease. Therefore, it has been classified as a Variant of Uncertain Significance.